The following is an entry in ClinVar:

ClinVar aggregate classification (germline): Conflicting classifications of pathogenicity. Review status: criteria provided, conflicting classifications (1 of 4 stars). 3 submissions from 3 submitters: Uncertain significance (2); Likely benign (1). Last evaluated 2026-04-16.

Conditions:
Frontometaphyseal dysplasia (FMD1). Identifiers: Orphanet 1826, MedGen C0265293, MONDO:0015942.
Melnick-Needles syndrome (MNS). Also called: MELNICK-NEEDLES OSTEODYSPLASTY; OSTEODYSPLASTY OF MELNICK AND NEEDLES; Melnick-Needles Syndrome (FLNA-MNS). Identifiers: Orphanet 2484, MedGen C0025237, MONDO:0010650, OMIM 309350.
Oto-palato-digital syndrome, type II (OPD2). Also called: OPD II SYNDROME; Otopalatodigital Syndrome Type 2 (FLNA-OPD2); FACIOPALATOOSSEOUS SYNDROME; Otopalatodigital Syndrome, Type II. Identifiers: Orphanet 669, Orphanet 90652, MedGen C1844696, MONDO:0010571, OMIM 304120.
Heterotopia, periventricular, X-linked dominant (PVNH1). Also called: PERIVENTRICULAR NODULAR HETEROTOPIA 1; X-linked periventricular heterotopia; PERIVENTRICULAR NODULAR HETEROTOPIA 4; HETEROTOPIA, PERIVENTRICULAR, 1. Identifiers: Orphanet 2149, Orphanet 82004, MedGen C1848213, MONDO:0010233, OMIM 300049.
Familial thoracic aortic aneurysm and aortic dissection (TAAD). Also called: Thoracic aortic aneurysms and dissections. Identifiers: Orphanet 91387, MedGen C4707243, MONDO:0019625.

Allele frequency attached by ClinVar (database versions not stated): gnomAD exomes 0.00001; TOPMed below 0.00001; gnomAD 0.00001.
gnomAD v4.1: 11 of 1,210,659 alleles (0.00091%); highest among the groups gnomAD compares: Non-Finnish European, 0.0011%; no homozygotes.

Submissions (3):

Ambry Genetics
Classification: Uncertain significance for Familial thoracic aortic aneurysm and aortic dissection. Last evaluated: 2026-04-16. Review status: criteria provided, single submitter. Criteria: Ambry Variant Classification Scheme 2023. Collection method: clinical testing. Allele origin: germline.
Comment: The p.N2105S variant (also known as c.6314A>G), located in coding exon 37 of the FLNA gene, results from an A to G substitution at nucleotide position 6314. The asparagine at codon 2105 is replaced by serine, an amino acid with highly similar properties. This amino acid position is conserved. In addition, this alteration is predicted to be tolerated by in silico analysis. Based on the available evidence, the clinical significance of this variant remains unclear.

Labcorp Genetics (formerly Invitae), Labcorp
Classification: Likely benign for Oto-palato-digital syndrome, type II; Heterotopia, periventricular, X-linked dominant; Frontometaphyseal dysplasia; Melnick-Needles syndrome. Last evaluated: 2025-12-11. Review status: criteria provided, single submitter. Criteria: Invitae Variant Classification Sherloc (09022015). Collection method: clinical testing. Allele origin: germline.

GeneDx
Classification: Uncertain significance. Last evaluated: 2016-12-05. Review status: criteria provided, single submitter. Criteria: GeneDx Variant Classification (06012015). Collection method: clinical testing. Allele origin: germline. Affected: yes.
Comment: The N2105S variant in the FLNA gene has not been reported previously as a pathogenic variant, nor as a benign variant, to our knowledge. The N2105S variant was not observed in approximately 6400 individuals of European and African American ancestry in the NHLBI Exome Sequencing Project, indicating it is not a common benign variant in these populations. The N2105S variant is a conservative amino acid substitution, which is not likely to impact secondary protein structure as these residues share similar properties. This substitution occurs at a position that is conserved in mammals. In silico analysis is inconsistent in its predictions as to whether or not the variant is damaging to the protein structure/function. We interpret N2105S as a variant of uncertain significance.

NM_001110556.2(FLNA):c.6338A>G (p.Asn2113Ser)

Gene: FLNA (filamin A; minus strand). Cytogenetic location: Xq28.
Variant type: single nucleotide variant.
Coding change: c.6338A>G on transcript NM_001110556.2 (MANE Select); coding-DNA position 6338, A replaced by G.
Protein change: p.Asn2113Ser; replaces asparagine 2113 with serine.
Molecular consequence: missense variant.
Genome position (GRCh38, 1-based): chrX:154,352,813, T>C on the plus strand (A>G on the coding strand, the complement: FLNA is on the minus strand). VCF-style: chrX-154352813-T-C. GRCh37 (hg19) VCF-style: chrX-153581181-T-C.
Other names: c.6314A>G, p.Asn2105Ser (NM_001456.4); short protein forms N2105S, N2113S.
Identifiers: ClinVar variation 373556 (VCV000373556.4), dbSNP rs1057518479, ClinGen allele CA16043236.